The following is an entry in ClinVar:

ClinVar aggregate classification (germline): Conflicting classifications of pathogenicity. Review status: criteria provided, conflicting classifications (1 of 4 stars). 3 submissions from 3 submitters: Uncertain significance (1); Benign (1); Likely benign (1). Last evaluated 2026-01-14.

Conditions:
Microcephaly 5, primary, autosomal recessive (MCPH5). Also called: ASPM Primary Microcephaly. Identifiers: Orphanet 2512, MedGen C1837501, MONDO:0012106, OMIM 608716.

Allele frequency attached by ClinVar (database versions not stated): ExAC 0.00080; 1000 Genomes Project 0.00140; 1000 Genomes Project 30x 0.00156; gnomAD 0.00187 and 0.00203; TOPMed 0.00218; ESP Exome Variant Server 0.00246; gnomAD exomes 0.00018 and 0.00058.
gnomAD v4.1: 538 of 1,534,654 alleles (0.035%); highest among the groups gnomAD compares: African/African-American, 0.62%; no homozygotes.

Submissions (3):

Labcorp Genetics (formerly Invitae), Labcorp
Classification: Benign. Last evaluated: 2026-01-14. Review status: criteria provided, single submitter. Criteria: Invitae Variant Classification Sherloc (09022015). Collection method: clinical testing. Allele origin: germline.

GeneDx
Classification: Likely benign. Last evaluated: 2018-04-17. Review status: criteria provided, single submitter. Criteria: GeneDx Variant Classification (06012015). Collection method: clinical testing. Allele origin: germline. Affected: yes.
Comment: This variant is considered likely benign or benign based on one or more of the following criteria: it is a conservative change, it occurs at a poorly conserved position in the protein, it is predicted to be benign by multiple in silico algorithms, and/or has population frequency not consistent with disease.

Genetic Services Laboratory, University of Chicago
Classification: Uncertain significance for Microcephaly 5, primary, autosomal recessive. Last evaluated: 2013-02-08. Review status: criteria provided, single submitter. Criteria: ACMG Guidelines, 2007. Collection method: clinical testing. Allele origin: germline. Inheritance: Autosomal recessive inheritance.

NM_018136.5(ASPM):c.1922-14C>G

Gene: ASPM (assembly factor for spindle microtubules; minus strand). Cytogenetic location: 1q31.3.
Variant type: single nucleotide variant.
Coding change: c.1922-14C>G on transcript NM_018136.5 (MANE Select); 14 bases into the intron before coding-DNA position 1922, C replaced by G.
Molecular consequence: intron variant.
Genome position (GRCh38, 1-based): chr1:197,139,885, G>C on the plus strand (C>G on the coding strand, the complement: ASPM is on the minus strand). VCF-style: chr1-197139885-G-C. GRCh37 (hg19) VCF-style: chr1-197109015-G-C.
Other names: c.1922-14C>G (NM_001206846.2).
Identifiers: ClinVar variation 157787 (VCV000157787.13), dbSNP rs189193044, ClinGen allele CA271011.